The following is an entry in ClinVar:

NM_020919.4(ALS2):c.4878T>A (p.Asp1626Glu)

Gene: ALS2 (alsin Rho guanine nucleotide exchange factor ALS2; minus strand). Cytogenetic location: 2q33.1.
Variant type: single nucleotide variant.
Coding change: c.4878T>A on transcript NM_020919.4 (MANE Select); coding-DNA position 4878, T replaced by A.
Protein change: p.Asp1626Glu; replaces aspartic acid 1626 with glutamic acid.
Molecular consequence: missense variant.
Genome position (GRCh38, 1-based): chr2:201,704,179, A>T on the plus strand (T>A on the coding strand, the complement: ALS2 is on the minus strand). VCF-style: chr2-201704179-A-T. GRCh37 (hg19) VCF-style: chr2-202568902-A-T.
Other names: short protein forms D1626E.
Identifiers: ClinVar variation 1493773 (VCV001493773.8), dbSNP rs2105963102, ClinGen allele CA350320404.
Genomic context (GRCh38, chr2:201,704,179, plus strand): 5'-CACCTTCAAGGTGGTGAACATTATACCCTGTTCCCCATGCTGAAGATAGGGGTCCATTAG[A>T]TCCTCAATGAGGTGTACCTCAGAGCCTAAATTCCTAATCCTGCCCCAGAGAGAAAAAGAT-3'
Protein context (NP_065970.2, residues 1616-1636): NLGSEVHLIE[Asp1626Glu]LMDPYLQHGE

ClinVar aggregate classification (germline): Uncertain significance (1 of 4 stars; one submission).

Conditions:
Infantile-onset ascending hereditary spastic paralysis (IAHSP). Also called: Autosomal Recessive Juvenile Amyotrophic Lateral Sclerosis; Infantile-Onset Ascending Hereditary Spastic Paralysis (IAHSP). Identifiers: Orphanet 293168, MedGen C2931441, MONDO:0011797, OMIM 607225. Disease mechanism: loss of function.

Submission:

Labcorp Genetics (formerly Invitae), Labcorp
Classification: Uncertain significance for Infantile-onset ascending hereditary spastic paralysis. Last evaluated: 2020-12-15. Review status: criteria provided, single submitter. Criteria: Invitae Variant Classification Sherloc (09022015). Collection method: clinical testing. Allele origin: germline.
Comment: In summary, the available evidence is currently insufficient to determine the role of this variant in disease. Therefore, it has been classified as a Variant of Uncertain Significance. Algorithms developed to predict the effect of missense changes on protein structure and function are either unavailable or do not agree on the potential impact of this missense change (SIFT: "Deleterious"; PolyPhen-2: "Probably Damaging"; Align-GVGD: "Class C0"). This variant has not been reported in the literature in individuals with ALS2-related conditions. This variant is not present in population databases (ExAC no frequency). This sequence change replaces aspartic acid with glutamic acid at codon 1626 of the ALS2 protein (p.Asp1626Glu). The aspartic acid residue is highly conserved and there is a small physicochemical difference between aspartic acid and glutamic acid.